The following is an entry in ClinVar:

NM_003560.4(PLA2G6):c.1880-3del

Gene: PLA2G6 (phospholipase A2 group VI; minus strand). Cytogenetic location: 22q13.1.
Variant type: Deletion.
Coding change: c.1880-3del on transcript NM_003560.4 (MANE Select); 3 bases into the intron before coding-DNA position 1880, one base deleted (T; older notation c.1880-3delT).
Molecular consequence: intron variant.
Genome position (GRCh38, 1-based): chr22:38,115,684, A deleted on the plus strand (T on the coding strand, the reverse complement: PLA2G6 is on the minus strand). VCF-style (leftmost placement, unchanged base first): chr22-38115683-TA-T. GRCh37 (hg19) VCF-style: chr22-38511690-TA-T.
Other names: c.1202-3del (NM_001349868.2); c.1718-3del (NM_001349866.2, NM_001199562.3, NM_001349865.2 and 1 more transcripts); c.1184-3del (NM_001349869.2); c.1346-3del (NM_001349867.2); c.1880-3del (NM_001349864.2, NM_003560.2).
Identifiers: ClinVar variation 655580 (VCV000655580.10), dbSNP rs760482527, ClinGen allele CA10230680.
Genomic context (GRCh38, chr22:38,115,683, plus strand): 5'-GGGTCGGAAGTAAGTAGGAGCTGCCCCGCTGCTTCGGGCCGCCCGCCACACCAGCTGGTC[TA>T]GGGGCGGGGAAGGAGGGCGGCCCAGTGGCACAAGGGACTGGCATAAAACCCATGCACTCC-3'

ClinVar aggregate classification (germline): Conflicting classifications of pathogenicity. Review status: criteria provided, conflicting classifications (1 of 4 stars). 2 submissions from 2 submitters: Uncertain significance (1); Likely benign (1). Last evaluated 2022-08-01.

Conditions:
Infantile neuroaxonal dystrophy (NBIA2A). Also called: SEITELBERGER DISEASE; NEURODEGENERATION WITH BRAIN IRON ACCUMULATION 2A; Infantile neuroaxonal dystrophy 1. Identifiers: Orphanet 35069, MedGen C0270724, MONDO:0024457, OMIM 256600.

Allele frequency attached by ClinVar (database versions not stated): ExAC 0.00003; TOPMed 0.00025; gnomAD exomes 0.00001 and 0.00002; gnomAD 0.00014 and 0.00013.

Submissions (2):

Labcorp Genetics (formerly Invitae), Labcorp
Classification: Uncertain significance for Infantile neuroaxonal dystrophy. Last evaluated: 2022-08-01. Review status: criteria provided, single submitter. Criteria: Invitae Variant Classification Sherloc (09022015). Collection method: clinical testing. Allele origin: germline.
Comment: This sequence change falls in intron 13 of the PLA2G6 gene. It does not directly change the encoded amino acid sequence of the PLA2G6 protein. It affects a nucleotide within the consensus splice site. This variant is present in population databases (rs760482527, gnomAD 0.01%). This variant has not been reported in the literature in individuals affected with PLA2G6-related conditions. ClinVar contains an entry for this variant (Variation ID: 655580). Variants that disrupt the consensus splice site are a relatively common cause of aberrant splicing (PMID: 17576681, 9536098). Algorithms developed to predict the effect of sequence changes on RNA splicing suggest that this variant is not likely to affect RNA splicing. In summary, the available evidence is currently insufficient to determine the role of this variant in disease. Therefore, it has been classified as a Variant of Uncertain Significance.

GeneDx
Classification: Likely benign. Last evaluated: 2020-07-15. Review status: criteria provided, single submitter. Criteria: GeneDx Variant Classification Process June 2021. Collection method: clinical testing. Allele origin: germline. Affected: yes.

Literature cited by the submitters: PubMed 17576681 (cited by Labcorp Genetics (formerly Invitae), Labcorp); PubMed 9536098 (cited by Labcorp Genetics (formerly Invitae), Labcorp).